The following is an entry in ClinVar:

NM_005732.4(RAD50):c.1627A>G (p.Lys543Glu)

Gene: RAD50 (RAD50 double strand break repair protein; plus strand). Cytogenetic location: 5q31.1.
Variant type: single nucleotide variant.
Coding change: c.1627A>G on transcript NM_005732.4 (MANE Select); coding-DNA position 1627, A replaced by G.
Protein change: p.Lys543Glu; replaces lysine 543 with glutamic acid.
Molecular consequence: missense variant.
Genome position (GRCh38, 1-based): chr5:132,591,398, A>G. VCF-style: chr5-132591398-A-G. GRCh37 (hg19) VCF-style: chr5-131927090-A-G.
Other names: short protein forms K543E.
Identifiers: ClinVar variation 1016783 (VCV001016783.9), dbSNP rs1750697854, ClinGen allele CA360946188.

ClinVar aggregate classification (germline): Uncertain significance (1 of 4 stars; one submission).

Conditions:
Hereditary cancer-predisposing syndrome. Also called: Tumor predisposition; Neoplastic Syndromes, Hereditary; Hereditary neoplastic syndrome; Hereditary Cancer Syndrome. Identifiers: Orphanet 140162, MedGen C0027672, MeSH D009386, MONDO:0015356.

Submission:

Labcorp Genetics (formerly Invitae), Labcorp
Classification: Uncertain significance for Hereditary cancer-predisposing syndrome. Last evaluated: 2020-10-19. Review status: criteria provided, single submitter. Criteria: Invitae Variant Classification Sherloc (09022015). Collection method: clinical testing. Allele origin: germline.
Comment: Algorithms developed to predict the effect of missense changes on protein structure and function are either unavailable or do not agree on the potential impact of this missense change (SIFT: "Deleterious"; PolyPhen-2: "Benign"; Align-GVGD: "Class C0"). In summary, the available evidence is currently insufficient to determine the role of this variant in disease. Therefore, it has been classified as a Variant of Uncertain Significance. This variant has not been reported in the literature in individuals with RAD50-related conditions. This variant is not present in population databases (ExAC no frequency). This sequence change replaces lysine with glutamic acid at codon 543 of the RAD50 protein (p.Lys543Glu). The lysine residue is moderately conserved and there is a small physicochemical difference between lysine and glutamic acid.